The following is an entry in ClinVar:

ClinVar aggregate classification (germline): Likely pathogenic (1 of 4 stars; one submission).

Submission:

Dasa
Classification: Likely pathogenic. Last evaluated: 2025-12-27. Review status: criteria provided, single submitter. Criteria: DASA Assertion Criteria. Collection method: clinical testing. Allele origin: germline.
Comment: NM_001042492.3(NF1):c.5903_5909del (p.Arg1968Glnfs*9) introduces a premature termination codon predicted to result in loss of normal protein function. Loss-of-function is an established mechanism of disease for this gene. The variant is present at low frequency in population datasets. Based on the available data, this variant is classified as likely pathogenic.

NM_001042492.3(NF1):c.5903_5909del (p.Arg1968fs)

Gene: NF1 (neurofibromin 1; plus strand). Cytogenetic location: 17q11.2.
Variant type: Deletion.
Coding change: c.5903_5909del on transcript NM_001042492.3 (MANE Select); coding-DNA positions 5903 to 5909, 7 bases deleted (GACAAAG; older notation c.5903_5909delGACAAAG).
Protein change: p.Arg1968fs; shifts the reading frame from arginine 1968.
Molecular consequence: frameshift variant.
Genome position (GRCh38, 1-based): chr17:31,334,928-31,334,934, GACAAAG deleted. VCF-style (leftmost placement, unchanged base first): chr17-31334927-CGACAAAG-C. GRCh37 (hg19) VCF-style: chr17-29661945-CGACAAAG-C.
Other names: c.5840_5846del, p.Arg1947fs (NM_000267.4); short protein forms R1947fs, R1968fs.
Identifiers: ClinVar variation 4851889 (VCV004851889.1).